The following is an entry in ClinVar:

ClinVar aggregate classification (germline): Uncertain significance (1 of 4 stars; one submission).

Conditions:
Familial thoracic aortic aneurysm and aortic dissection (TAAD). Also called: Thoracic aortic aneurysms and dissections. Identifiers: Orphanet 91387, MedGen C4707243, MONDO:0019625.

Submission:

Labcorp Genetics (formerly Invitae), Labcorp
Classification: Uncertain significance for Familial thoracic aortic aneurysm and aortic dissection. Last evaluated: 2024-10-24. Review status: criteria provided, single submitter. Criteria: Invitae Variant Classification Sherloc (09022015). Collection method: clinical testing. Allele origin: germline.
Comment: This sequence change replaces valine, which is neutral and non-polar, with isoleucine, which is neutral and non-polar, at codon 303 of the SMAD3 protein (p.Val303Ile). This variant is not present in population databases (gnomAD no frequency). This variant has not been reported in the literature in individuals affected with SMAD3-related conditions. ClinVar contains an entry for this variant (Variation ID: 405562). Invitae Evidence Modeling incorporating data from in vitro experimental studies (internal data) indicates that this missense variant is expected to disrupt SMAD3 function with a positive predictive value of 95%. In summary, the available evidence is currently insufficient to determine the role of this variant in disease. Therefore, it has been classified as a Variant of Uncertain Significance.

NM_005902.4(SMAD3):c.907G>A (p.Val303Ile)

Gene: SMAD3 (SMAD family member 3; plus strand). Cytogenetic location: 15q22.33.
Variant type: single nucleotide variant.
Coding change: c.907G>A on transcript NM_005902.4 (MANE Select); coding-DNA position 907, G replaced by A.
Protein change: p.Val303Ile; replaces valine 303 with isoleucine.
Molecular consequence: missense variant.
Genome position (GRCh38, 1-based): chr15:67,184,762, G>A. VCF-style: chr15-67184762-G-A. GRCh37 (hg19) VCF-style: chr15-67477100-G-A.
Other names: c.592G>A, p.Val198Ile (NM_001145102.2); c.775G>A, p.Val259Ile (NM_001145103.2); c.322G>A, p.Val108Ile (NM_001145104.2); short protein forms V303I, V108I, V198I, V259I.
Identifiers: ClinVar variation 405562 (VCV000405562.9), dbSNP rs1060500767, ClinGen allele CA16614720.